The following is an entry in ClinVar:

ClinVar aggregate classification (germline): Uncertain significance (1 of 4 stars; one submission).

Conditions:
Hereditary cancer-predisposing syndrome. Also called: Tumor predisposition; Hereditary Cancer Syndrome; Neoplastic Syndromes, Hereditary; Hereditary neoplastic syndrome. Identifiers: Orphanet 140162, MedGen C0027672, MeSH D009386, MONDO:0015356.

Submission:

Color Diagnostics, LLC DBA Color Health
Classification: Uncertain significance for Hereditary cancer-predisposing syndrome. Last evaluated: 2021-07-06. Review status: criteria provided, single submitter. Criteria: ACMG Guidelines, 2015. Collection method: clinical testing. Allele origin: germline.
Comment: This variant causes a G to C nucleotide substitution at the +3 position of intron 13 of the ATM gene. Splice site prediction tools suggest that this variant may impact RNA splicing, although this prediction has not been confirmed in published RNA studies. To our knowledge, this variant has not been reported in individuals affected with hereditary cancer in the literature. This variant has not been identified in the general population by the Genome Aggregation Database (gnomAD). The available evidence is insufficient to determine the role of this variant in disease conclusively. Therefore, this variant is classified as a Variant of Uncertain Significance.

NM_000051.4(ATM):c.2124+3G>C

Gene: ATM (ATM serine/threonine kinase; plus strand). Cytogenetic location: 11q22.3.
Variant type: single nucleotide variant.
Coding change: c.2124+3G>C on transcript NM_000051.4 (MANE Select); 3 bases into the intron after coding-DNA position 2124, G replaced by C.
Molecular consequence: intron variant.
Genome position (GRCh38, 1-based): chr11:108,254,042, G>C. VCF-style: chr11-108254042-G-C. GRCh37 (hg19) VCF-style: chr11-108124769-G-C.
Other names: c.2124+3G>C (NM_001351834.2).
Identifiers: ClinVar variation 1331871 (VCV001331871.2), dbSNP rs1193263660, ClinGen allele CA2573053400.